The following is an entry in ClinVar:

ClinVar aggregate classification (germline): Likely benign (1 of 4 stars; one submission).

Conditions:
MAPKBP1-related disorder. Also called: MAPKBP1-related condition.

gnomAD v4.1: 1 of 1,587,636 alleles (0.000063%); highest among the groups gnomAD compares: Non-Finnish European, 0.000086%; no homozygotes.

Submission:

PreventionGenetics, part of Exact Sciences
Classification: Likely benign for MAPKBP1-related condition. Last evaluated: 2025-11-05. Review status: criteria provided, single submitter. Criteria: ACMG Guidelines, 2015. Collection method: clinical testing. Allele origin: germline.
Comment: This variant is classified as likely benign based on ACMG/AMP sequence variant interpretation guidelines (Richards et al. 2015 PMID: 25741868, with internal and published modifications).

NM_014994.3(MAPKBP1):c.1707T>C (p.Phe569=)

Gene: MAPKBP1 (mitogen-activated protein kinase binding protein 1; plus strand). Cytogenetic location: 15q15.1.
Variant type: single nucleotide variant.
Coding change: c.1707T>C on transcript NM_014994.3 (MANE Select); coding-DNA position 1707, T replaced by C.
Protein change: p.Phe569=; no amino-acid change (phenylalanine 569 retained).
Molecular consequence: synonymous variant. On other transcripts: non-coding transcript variant (2).
Genome position (GRCh38, 1-based): chr15:41,817,031, T>C. VCF-style: chr15-41817031-T-C. GRCh37 (hg19) VCF-style: chr15-42109229-T-C.
Other names: c.1725T>C, p.Phe575= (NM_001128608.2); c.1707T>C, p.Phe569= (NM_001265611.2).
Identifiers: ClinVar variation 4992144 (VCV004992144.1).